The following is an entry in ClinVar:

ClinVar aggregate classification (germline): Likely pathogenic (0 of 4 stars; one submission).

Conditions:
PCNT-related disorder. Also called: PCNT-related condition.

Submission:

PreventionGenetics, part of Exact Sciences
Classification: Likely pathogenic for PCNT-related condition. Last evaluated: 2024-04-23. Review status: no assertion criteria provided. Collection method: clinical testing. Allele origin: germline.
Comment: The PCNT c.2770C>T variant is predicted to result in premature protein termination (p.Gln924*). To our knowledge, this variant has not been reported in the literature or in a large population database, indicating this variant is rare. Nonsense variants in PCNT are expected to be pathogenic. This variant is interpreted as likely pathogenic.

NM_006031.6(PCNT):c.2770C>T (p.Gln924Ter)

Gene: PCNT (pericentrin; plus strand). Cytogenetic location: 21q22.3.
Variant type: single nucleotide variant.
Coding change: c.2770C>T on transcript NM_006031.6 (MANE Select); coding-DNA position 2770, C replaced by T.
Protein change: p.Gln924Ter; replaces glutamine 924 with a stop codon.
Molecular consequence: nonsense.
Genome position (GRCh38, 1-based): chr21:46,366,744, C>T. VCF-style: chr21-46366744-C-T. GRCh37 (hg19) VCF-style: chr21-47786659-C-T.
Other names: c.2416C>T, p.Gln806Ter (NM_001315529.2); short protein forms Q806*, Q924*.
Identifiers: ClinVar variation 3347726 (VCV003347726.1).
Genomic context (GRCh38, chr21:46,366,744, plus strand): 5'-CTCCAGGAGAGACACCAGCAGCAGCTCCTGTCAGTGACGGCGGAGCTCGAGGCCAGACAC[C>T]AGGCCGCGTTGGGCGAGCTGACAGCCTCCTTAGAGAGCAAGCAGGGGGCTCTGCTGGCTG-3'